The following is an entry in ClinVar:

NM_006940.6(SOX5):c.1018-1G>A

Gene: SOX5 (SRY-box transcription factor 5; minus strand). Cytogenetic location: 12p12.1.
Variant type: single nucleotide variant.
Coding change: c.1018-1G>A on transcript NM_006940.6 (MANE Select); the canonical splice acceptor site of the intron before coding-DNA position 1018, G replaced by A.
Molecular consequence: splice acceptor variant.
Genome position (GRCh38, 1-based): chr12:23,604,534, C>T on the plus strand (G>A on the coding strand, the complement: SOX5 is on the minus strand). VCF-style: chr12-23604534-C-T. GRCh37 (hg19) VCF-style: chr12-23757468-C-T.
Other names: c.979-1G>A (NM_152989.5, NM_001261414.3); c.988-1G>A (NM_001261415.3); c.913-1G>A (NM_001330785.2).
Identifiers: ClinVar variation 3780653 (VCV003780653.2).

ClinVar aggregate classification (germline): Likely benign. Review status: criteria provided, multiple submitters, no conflicts (2 of 4 stars). 2 submissions from 2 submitters: Likely benign (2). Last evaluated 2026-08-01.

Conditions:
Lamb-Shaffer syndrome. Identifiers: Orphanet 313884, Orphanet 313892, Orphanet 530983, MedGen C4225202, MONDO:0014778, OMIM 616803.

gnomAD v4.1: 143 of 1,612,128 alleles (0.0089%); highest among the groups gnomAD compares: Non-Finnish European, 0.011%; no homozygotes.

Submissions (2):

CeGaT Center for Human Genetics Tuebingen
Classification: Likely benign. Last evaluated: 2026-08-01. Review status: criteria provided, single submitter. Criteria: CeGaT Center For Human Genetics Tuebingen Variant Classification Criteria Version 2. Collection method: clinical testing. Allele origin: germline. Affected: yes. Observed: 1 variant allele.
Comment: SOX5: PVS1:Moderate, BS2

Department of Pathology and Laboratory Medicine, Sinai Health System
Classification: Likely benign for Lamb-Shaffer syndrome. Last evaluated: 2023-10-26. Review status: criteria provided, single submitter. Criteria: ACMG Guidelines, 2015. Collection method: research. Allele origin: germline.